The following is an entry in ClinVar:

ClinVar aggregate classification (germline): Conflicting classifications of pathogenicity. Review status: criteria provided, conflicting classifications (1 of 4 stars). 5 submissions from 5 submitters: Uncertain significance (3); Likely benign (2). Last evaluated 2026-07-29.

Conditions:
Inherited breast cancer and ovarian cancer.
Hereditary cancer-predisposing syndrome. Also called: Hereditary Cancer Syndrome; Hereditary neoplastic syndrome; Neoplastic Syndromes, Hereditary; Tumor predisposition. Identifiers: Orphanet 140162, MedGen C0027672, MeSH D009386, MONDO:0015356.
Hereditary breast ovarian cancer syndrome. Also called: Breast and ovarian cancer; Hereditary breast and ovarian cancer syndrome (HBOC); Hereditary breast and ovarian cancer syndrome; Hereditary breast and/or ovarian cancer syndrome; Hereditary breast and ovarian cancer; BRCA1- and BRCA2-Associated Hereditary Breast and Ovarian Cancer. Identifiers: Orphanet 145, MedGen C0677776, MeSH D061325, MONDO:0003582. Disease mechanism: loss of function.

Allele frequency attached by ClinVar (database versions not stated): gnomAD exomes below 0.00001.
gnomAD v4.1: 4 of 1,611,086 alleles (0.00025%); highest among the groups gnomAD compares: Non-Finnish European, 0.00034%; no homozygotes.

Submissions (5):

Cambridge Genomics Laboratory, East Genomic Laboratory Hub, NHS Genomic Medicine Service
Classification: Likely benign for Inherited breast cancer and ovarian cancer. Last evaluated: 2026-07-29. Review status: criteria provided, single submitter. Criteria: ACGS Best Practice Guidelines for Variant Classification in Rare Disease 2020. Collection method: clinical testing. Allele origin: germline. Affected: yes.
Comment: PM2_Supporting,BP1_Strong,BP4

Labcorp Genetics (formerly Invitae), Labcorp
Classification: Uncertain significance for Hereditary breast ovarian cancer syndrome. Last evaluated: 2025-09-04. Review status: criteria provided, single submitter. Criteria: Invitae Variant Classification Sherloc (09022015). Collection method: clinical testing. Allele origin: germline.
Comment: This sequence change replaces glutamine, which is neutral and polar, with arginine, which is basic and polar, at codon 1371 of the BRCA2 protein (p.Gln1371Arg). This variant is not present in population databases (gnomAD no frequency). This variant has not been reported in the literature in individuals affected with BRCA2-related conditions. ClinVar contains an entry for this variant (Variation ID: 1737936). Invitae Evidence Modeling of protein sequence and biophysical properties (such as structural, functional, and spatial information, amino acid conservation, physicochemical variation, residue mobility, and thermodynamic stability) indicates that this missense variant is not expected to disrupt BRCA2 protein function with a negative predictive value of 95%. In summary, the available evidence is currently insufficient to determine the role of this variant in disease. Therefore, it has been classified as a Variant of Uncertain Significance.

University of Washington Department of Laboratory Medicine, University of Washington
Classification: Likely benign for Hereditary cancer-predisposing syndrome. Last evaluated: 2023-03-23. Review status: criteria provided, single submitter. Criteria: Dines et al. (Genet Med. 2020). Collection method: curation. Allele origin: germline.
Comment: Missense variant in a coldspot region where missense variants are very unlikely to be pathogenic (PMID:31911673).

BRCA2 exon 11 coldspot. Reclassification based on statistical prior probability.

Blueprint Genetics
Classification: Uncertain significance. Last evaluated: 2023-02-13. Review status: criteria provided, single submitter. Criteria: ACMG Guidelines, 2015. Collection method: clinical testing. Allele origin: germline.

Ambry Genetics
Classification: Uncertain significance for Hereditary cancer-predisposing syndrome. Last evaluated: 2021-07-13. Review status: criteria provided, single submitter. Criteria: Ambry Variant Classification Scheme 2023. Collection method: clinical testing. Allele origin: germline.
Comment: The p.Q1371R variant (also known as c.4112A>G), located in coding exon 10 of the BRCA2 gene, results from an A to G substitution at nucleotide position 4112. The glutamine at codon 1371 is replaced by arginine, an amino acid with highly similar properties. This amino acid position is well conserved in available vertebrate species. In addition, this alteration is predicted to be tolerated by in silico analysis. Since supporting evidence is limited at this time, the clinical significance of this alteration remains unclear.

NM_000059.4(BRCA2):c.4112A>G (p.Gln1371Arg)

Gene: BRCA2 (BRCA2 DNA repair associated; plus strand). Cytogenetic location: 13q13.1.
Variant type: single nucleotide variant.
Coding change: c.4112A>G on transcript NM_000059.4 (MANE Select); coding-DNA position 4112, A replaced by G.
Protein change: p.Gln1371Arg; replaces glutamine 1371 with arginine.
Molecular consequence: missense variant.
Genome position (GRCh38, 1-based): chr13:32,338,467, A>G. VCF-style: chr13-32338467-A-G. GRCh37 (hg19) VCF-style: chr13-32912604-A-G.
Other names: c.4112A>G, p.Gln1371Arg (NM_001406719.1, NM_001406720.1); short protein forms Q1371R.
Identifiers: ClinVar variation 1737936 (VCV001737936.9), dbSNP rs2072496412, ClinGen allele CA387779294.